The following is an entry in ClinVar:

ClinVar aggregate classification (germline): Pathogenic (1 of 4 stars; one submission).

Conditions:
Deficiency of alpha-mannosidase (MANSA). Also called: LYSOSOMAL ALPHA-D-MANNOSIDASE DEFICIENCY; Alpha-Mannosidosis; Mannosidosis, alpha-, types I and II. Identifiers: Orphanet 61, MedGen C0024748, MONDO:0009561, OMIM 248500.

Submission:

Myriad Genetics, Inc.
Classification: Pathogenic for Deficiency of alpha-mannosidase. Last evaluated: 2025-02-06. Review status: criteria provided, single submitter. Criteria: Myriad Autosomal Dominant, Autosomal Recessive and X-Linked Classification Criteria (2023). Collection method: clinical testing. Allele origin: unknown.
Comment: NM_000528.3(MAN2B1):c.2383delA(T795Lfs*10) is expected to be pathogenic in the context of alpha-mannosidosis. This variant is predicted to lead to an abnormal or absent protein product due to the creation of a premature termination codon in MAN2B1, a gene where loss-of-function variants are known to be pathogenic. Please note: this variant was assessed in the context of healthy population screening.

NM_000528.4(MAN2B1):c.2383del (p.Thr795fs)

Gene: MAN2B1 (mannosidase alpha class 2B member 1; minus strand). Cytogenetic location: 19p13.13.
Variant type: Deletion.
Coding change: c.2383del on transcript NM_000528.4 (MANE Select); coding-DNA position 2383, one base deleted (A; older notation c.2383delA).
Protein change: p.Thr795fs; shifts the reading frame from threonine 795.
Molecular consequence: frameshift variant.
Genome position (GRCh38, 1-based): chr19:12,649,189, T deleted on the plus strand (A on the coding strand, the reverse complement: MAN2B1 is on the minus strand). VCF-style (leftmost placement, unchanged base first): chr19-12649188-GT-G. GRCh37 (hg19) VCF-style: chr19-12760002-GT-G.
Other names: c.2380del, p.Thr794fs (NM_001173498.2); c.2386del, p.Thr796fs (NM_001440570.1); short protein forms T794fs, T795fs, T796fs.
Identifiers: ClinVar variation 5014061 (VCV005014061.1).
Genomic context (GRCh38, chr19:12,649,188, plus strand): 5'-CCACTCACCATGAGCTCCAGCGAGCCATCTCTCAGGCTGCTGCCCCCCTGGGAGCGGTCA[GT>G]CAGCACAGTCAGCTGCATGTTTCCATCCTGGGAGTTGAAGGGTGAAAGTAGAGGGCAGTC-3'